The following is an entry in ClinVar:

NM_001701.4(BAAT):c.*1884G>A

Gene: BAAT (bile acid-CoA:amino acid N-acyltransferase; minus strand). Cytogenetic location: 9q31.1.
Variant type: single nucleotide variant.
Coding change: c.*1884G>A on transcript NM_001701.4 (MANE Select); 1884 bases downstream of the stop codon, G replaced by A.
Molecular consequence: 3 prime UTR variant.
Genome position (GRCh38, 1-based): chr9:101,360,544, C>T on the plus strand (G>A on the coding strand, the complement: BAAT is on the minus strand). VCF-style: chr9-101360544-C-T. GRCh37 (hg19) VCF-style: chr9-104122826-C-T.
Other names: c.*1884G>A (NM_001127610.2, NM_001374715.1).
Identifiers: ClinVar variation 364249 (VCV000364249.5), dbSNP rs10120225, ClinGen allele CA10628577.

ClinVar aggregate classification (germline): Benign (1 of 4 stars; one submission).

Conditions:
Hypercholanemia, familial 1 (FHCA1). Identifiers: Orphanet 238475, MedGen C5542604, MONDO:0031446, OMIM 607748.

Allele frequency attached by ClinVar (database versions not stated): gnomAD 0.02003; 1000 Genomes Project 0.02276; TOPMed 0.02296; 1000 Genomes Project 30x 0.02467.

Submission:

Illumina Laboratory Services, Illumina
Classification: Benign for Hypercholanemia, familial 1. Last evaluated: 2018-01-13. Review status: criteria provided, single submitter. Criteria: ICSL Variant Classification Criteria 13 December 2019. Collection method: clinical testing. Allele origin: germline.
Comment: This variant was observed in the ICSL laboratory as part of a predisposition screen in an ostensibly healthy population. It had not been previously curated by ICSL or reported in the Human Gene Mutation Database (HGMD: prior to June 1st, 2018), and was therefore a candidate for classification through an automated scoring system. Utilizing variant allele frequency, disease prevalence and penetrance estimates, and inheritance mode, an automated score was calculated to assess if this variant is too frequent to cause the disease. Based on the score and internal cut-off values, a variant classified as benign is not then subjected to further curation. The score for this variant resulted in a classification of benign for this disease.